The following is an entry in ClinVar:

ClinVar aggregate classification (germline): Benign/Likely benign. Review status: criteria provided, multiple submitters, no conflicts (2 of 4 stars). 3 submissions from 3 submitters: Benign (1); Likely benign (1). 1 of the submissions does not count toward it. Last evaluated 2026-01-27.

Conditions:
THAP11-related disorder. Also called: THAP11-related condition.

Submissions (3):

Labcorp Genetics (formerly Invitae), Labcorp
Classification: Likely benign. Last evaluated: 2026-01-27. Review status: criteria provided, single submitter. Criteria: Invitae Variant Classification Sherloc (09022015). Collection method: clinical testing. Allele origin: germline.

Mayo Clinic Laboratories, Mayo Clinic
Classification: Benign. Last evaluated: 2024-11-14. Review status: criteria provided, single submitter. Criteria: ACMG Guidelines, 2015. Collection method: clinical testing. Allele origin: germline. Observed: 4 variant alleles.
Comment: BA1

PreventionGenetics, part of Exact Sciences
Classification: Benign for THAP11-related condition. Last evaluated: 2019-12-23. Review status: no assertion criteria provided. Collection method: clinical testing. Allele origin: germline. Not counted in ClinVar's aggregate classification.
Comment: This variant is classified as benign based on ACMG/AMP sequence variant interpretation guidelines (Richards et al. 2015 PMID: 25741868, with internal and published modifications).

NM_020457.3(THAP11):c.339ACAGCAGCA[1] (p.Gln130_Gln132del)

Genes: CENPT (centromere protein T; minus strand), THAP11 (THAP domain containing 11; plus strand). Cytogenetic location: 16q22.1.
Variant type: Microsatellite.
Coding change: c.339ACAGCAGCA[1] on transcript NM_020457.3 (MANE Select); one copy of the 9-base unit ACAGCAGCA starting at c.339; the reference has two copies in a row; one copy, 9 bases deleted; also written c.348_356del.
Protein change: p.Gln130_Gln132del.
Molecular consequence: inframe deletion. On other transcripts: intron variant (1).
Genome position (GRCh38, 1-based): chr16:67,842,902-67,842,910, ACAGCAGCA deleted; deleting any 9 consecutive bases within chr16:67,842,885-67,842,910 gives the same sequence; the position shown is the placement nearest the transcript's 3' end. VCF-style (leftmost placement, unchanged base first): chr16-67842884-GCAGCAGCAA-G. GRCh37 (hg19) VCF-style: chr16-67876787-GCAGCAGCAA-G.
Other names: p.Gln130_Gln132del; c.348_356del (NM_020457.3); c.-492+4508_-492+4516del (NM_025082.4).
Identifiers: ClinVar variation 1552629 (VCV001552629.11), dbSNP rs746671619, ClinGen allele CA8118179.
Genomic context (GRCh38, chr16:67,842,884, plus strand): 5'-AGCGCGCAGACCCGCTGGGGCCGCGGCCGCCCGCCGCAGGCAGCAGCAGCAACAGCAGCA[GCAGCAGCAA>G]CAGCAGCAACAGCAGCAGCAGCAGCAACAGCAGCAGCAGCAGCAGCAGCAGCAGCAGTCC-3'